The following is an entry in ClinVar:

ClinVar aggregate classification (germline): Uncertain significance (1 of 4 stars; one submission).

Submission:

Labcorp Genetics (formerly Invitae), Labcorp
Classification: Uncertain significance. Last evaluated: 2021-03-29. Review status: criteria provided, single submitter. Criteria: Invitae Variant Classification Sherloc (09022015). Collection method: clinical testing. Allele origin: germline.
Comment: In summary, the available evidence is currently insufficient to determine the role of this variant in disease. Therefore, it has been classified as a Variant of Uncertain Significance. Algorithms developed to predict the effect of missense changes on protein structure and function are either unavailable or do not agree on the potential impact of this missense change (SIFT: "Deleterious"; PolyPhen-2: "Benign"; Align-GVGD: "Class C0"). This variant has not been reported in the literature in individuals with POLE-related conditions. This variant is not present in population databases (ExAC no frequency). This sequence change replaces arginine with proline at codon 1308 of the POLE protein (p.Arg1308Pro). The arginine residue is highly conserved and there is a moderate physicochemical difference between arginine and proline.

NM_006231.4(POLE):c.3923G>C (p.Arg1308Pro)

Gene: POLE (DNA polymerase epsilon, catalytic subunit; minus strand). Cytogenetic location: 12q24.33.
Variant type: single nucleotide variant.
Coding change: c.3923G>C on transcript NM_006231.4 (MANE Select); coding-DNA position 3923, G replaced by C.
Protein change: p.Arg1308Pro; replaces arginine 1308 with proline.
Molecular consequence: missense variant.
Genome position (GRCh38, 1-based): chr12:132,649,388, C>G on the plus strand (G>C on the coding strand, the complement: POLE is on the minus strand). VCF-style: chr12-132649388-C-G. GRCh37 (hg19) VCF-style: chr12-133225974-C-G.
Other names: short protein forms R1308P.
Identifiers: ClinVar variation 1461299 (VCV001461299.8), dbSNP rs759793243, ClinGen allele CA387385102.